The following is an entry in ClinVar:

ClinVar aggregate classification (germline): Likely pathogenic (1 of 4 stars; one submission).

Allele frequency attached by ClinVar (database versions not stated): gnomAD exomes below 0.00001.
gnomAD v4.1: 5 of 1,534,036 alleles (0.00033%); highest among the groups gnomAD compares: Non-Finnish European, 0.00044%; no homozygotes.

Submission:

GeneDx
Classification: Likely pathogenic. Last evaluated: 2026-09-22. Review status: criteria provided, single submitter. Criteria: GeneDx Variant Classification Process June 2021. Collection method: clinical testing. Allele origin: germline.
Comment: Alters the last nucleotide of the exon and is predicted to destroy the splice donor site and result in aberrant splicing, although in the absence of functional evidence the actual effect of this sequence change is unknown; Not observed at significant frequency in large population cohorts (gnomAD); Has not been previously published as pathogenic or benign to our knowledge

NM_001378183.1(PIEZO2):c.3923G>A (p.Arg1308Lys)

Gene: PIEZO2 (piezo type mechanosensitive ion channel component 2; minus strand). Cytogenetic location: 18p11.22.
Variant type: single nucleotide variant.
Coding change: c.3923G>A on transcript NM_001378183.1 (MANE Select); coding-DNA position 3923, G replaced by A.
Protein change: p.Arg1308Lys; replaces arginine 1308 with lysine.
Molecular consequence: missense variant.
Genome position (GRCh38, 1-based): chr18:10,757,969, C>T on the plus strand (G>A on the coding strand, the complement: PIEZO2 is on the minus strand). VCF-style: chr18-10757969-C-T. GRCh37 (hg19) VCF-style: chr18-10757967-C-T.
Other names: c.3923G>A, p.Arg1308Lys (NM_001410871.1); c.3848G>A, p.Arg1283Lys (NM_022068.4); short protein forms R1283K, R1308K.
Identifiers: ClinVar variation 3252617 (VCV003252617.2), dbSNP rs2510637132.